The following is an entry in ClinVar:

NM_001271.4(CHD2):c.1742A>G (p.His581Arg)

Gene: CHD2 (chromodomain helicase DNA binding protein 2; plus strand). Cytogenetic location: 15q26.1.
Variant type: single nucleotide variant.
Coding change: c.1742A>G on transcript NM_001271.4 (MANE Select); coding-DNA position 1742, A replaced by G.
Protein change: p.His581Arg; replaces histidine 581 with arginine.
Molecular consequence: missense variant.
Genome position (GRCh38, 1-based): chr15:92,955,445, A>G. VCF-style: chr15-92955445-A-G. GRCh37 (hg19) VCF-style: chr15-93498675-A-G.
Other names: short protein forms H581R.
Identifiers: ClinVar variation 4885847 (VCV004885847.2).

ClinVar aggregate classification (germline): Uncertain significance (1 of 4 stars; one submission).

Submission:

Dasa
Classification: Uncertain significance. Last evaluated: 2024-12-23. Review status: criteria provided, single submitter. Criteria: DASA Assertion Criteria. Collection method: clinical testing. Allele origin: germline.
Comment: NM_001271.4(CHD2):c.1742A>G (p.His581Arg) is a missense variant that results in the substitution of histidine with arginine. This variant is absent from population databases. Computational prediction algorithms are consistent with a benign effect. The currently available literature and clinical evidence are not sufficient to establish a definitive association between this variant and the reported condition. Therefore, this variant is classified as a variant of uncertain significance.